The following is an entry in ClinVar:

NM_001614.5(ACTG1):c.948G>C (p.Glu316Asp)

Gene: ACTG1 (actin gamma 1; minus strand). Cytogenetic location: 17q25.3.
Variant type: single nucleotide variant.
Coding change: c.948G>C on transcript NM_001614.5 (MANE Select); coding-DNA position 948, G replaced by C.
Protein change: p.Glu316Asp; replaces glutamic acid 316 with aspartic acid.
Molecular consequence: missense variant. On other transcripts: non-coding transcript variant (1).
Genome position (GRCh38, 1-based): chr17:81,510,963, C>G on the plus strand (G>C on the coding strand, the complement: ACTG1 is on the minus strand). VCF-style: chr17-81510963-C-G. GRCh37 (hg19) VCF-style: chr17-79477989-C-G.
Other names: c.948G>C, p.Glu316Asp (NM_001199954.3); short protein forms E316D.
Identifiers: ClinVar variation 3029257 (VCV003029257.2), dbSNP rs2544386979, ClinGen allele CA401458895.

ClinVar aggregate classification (germline): Uncertain significance (0 of 4 stars; one submission).

Conditions:
ACTG1-related disorder. Also called: ACTG1-related condition; ACTG1-related disorders.

Submission:

PreventionGenetics, part of Exact Sciences
Classification: Uncertain significance for ACTG1-related condition. Last evaluated: 2024-03-01. Review status: no assertion criteria provided. Collection method: clinical testing. Allele origin: germline.
Comment: The ACTG1 c.948G>C variant is predicted to result in the amino acid substitution p.Glu316Asp. To our knowledge, this variant has not been reported in the literature or in a large population database, indicating this variant is rare. A different amino acid at the sample position (p.Glu316Lys) was reported in a family with hereditary hearing loss (Wei at al. 2014. PubMed ID: 25388789). At this time, the clinical significance of this variant is uncertain due to the absence of conclusive functional and genetic evidence.